The following is an entry in ClinVar:

NM_001367873.1(SOX6):c.902A>G (p.Asp301Gly)

Gene: SOX6 (SRY-box transcription factor 6; minus strand). Cytogenetic location: 11p15.2.
Variant type: single nucleotide variant.
Coding change: c.902A>G on transcript NM_001367873.1 (MANE Select); coding-DNA position 902, A replaced by G.
Protein change: p.Asp301Gly; replaces aspartic acid 301 with glycine.
Molecular consequence: missense variant.
Genome position (GRCh38, 1-based): chr11:16,097,685, T>C on the plus strand (A>G on the coding strand, the complement: SOX6 is on the minus strand). VCF-style: chr11-16097685-T-C. GRCh37 (hg19) VCF-style: chr11-16119231-T-C.
Other names: c.902A>G, p.Asp301Gly (NM_001145811.2, NM_001145819.2, NM_001367872.1 and 2 more transcripts); short protein forms D301G.
Identifiers: ClinVar variation 4864963 (VCV004864963.1).

ClinVar aggregate classification (germline): Uncertain significance (1 of 4 stars; one submission).

Conditions:
Inborn genetic diseases. Identifiers: MedGen C0950123, MeSH D030342.

gnomAD v4.1: 1 of 1,610,718 alleles (0.000062%); highest among the groups gnomAD compares: Non-Finnish European, 0.000085%; no homozygotes.

Submission:

Ambry Genetics
Classification: Uncertain significance for Inborn genetic diseases. Last evaluated: 2026-06-01. Review status: criteria provided, single submitter. Criteria: Ambry Variant Classification Scheme 2023. Collection method: clinical testing. Allele origin: germline.
Comment: The c.902A>G (p.D301G) alteration is located in exon 8 (coding exon 7) of the SOX6 gene. This alteration results from a A to G substitution at nucleotide position 902, causing the aspartic acid (D) at amino acid position 301 to be replaced by a glycine (G). This variant was not reported in population-based cohorts in the Genome Aggregation Database (gnomAD). This amino acid position is highly conserved in available vertebrate species. This alteration is predicted to be deleterious by in silico analysis. Based on insufficient or conflicting evidence, the clinical significance of this alteration remains unclear.